The following is an entry in ClinVar:

NM_023110.3(FGFR1):c.995C>G (p.Ser332Cys)

Gene: FGFR1 (fibroblast growth factor receptor 1; minus strand). Cytogenetic location: 8p11.23.
Variant type: single nucleotide variant.
Coding change: c.995C>G on transcript NM_023110.3 (MANE Select); coding-DNA position 995, C replaced by G.
Protein change: p.Ser332Cys; replaces serine 332 with cysteine.
Molecular consequence: missense variant.
Genome position (GRCh38, 1-based): chr8:38,421,883, G>C on the plus strand (C>G on the coding strand, the complement: FGFR1 is on the minus strand). VCF-style: chr8-38421883-G-C. GRCh37 (hg19) VCF-style: chr8-38279401-G-C.
Other names: c.995C>G, p.Ser332Cys (NM_001174063.2); c.971C>G, p.Ser324Cys (NM_001174064.2); c.989C>G, p.Ser330Cys (NM_001174065.2, NM_001354367.2, NM_001354369.2 and 2 more transcripts); c.728C>G, p.Ser243Cys (NM_001174066.2, NM_023105.3); c.1088C>G, p.Ser363Cys (NM_001174067.2); c.722C>G, p.Ser241Cys (NM_001354368.2, NM_001354370.2, NM_023106.3); short protein forms S241C, S243C, S324C, S330C, S332C, S363C.
Identifiers: ClinVar variation 3340451 (VCV003340451.1).

ClinVar aggregate classification (germline): Uncertain significance (1 of 4 stars; one submission).

Submission:

Seattle Children's Hospital Molecular Genetics Laboratory, Seattle Children's Hospital
Classification: Uncertain significance. Review status: criteria provided, single submitter. Criteria: ACMG Guidelines, 2015. Collection method: clinical testing. Allele origin: germline. Affected: yes.
Comment: The FGFR1 p.Ser332Cys variant has been reported in the medical literature in an affected mother and son with hypogonadism and anosmia/hyposmia (PMID: 17154279; Uniprot: P11362). This variant is absent from large population studies (gnomAD v2.1.1). The p.Ser332Cys variant occurs in the alternative exon 8B, which encodes for the FGFR1c isoform (NM_023110.3). The FGFR1c isoform has a different C-terminal half of the D3 immunoglobulin-like domain compared to the other isoform that uses exon 8A. The p.Ser332Cys variant occurs at a highly conserved amino acid position and most in silico tools predict it to be damaging, possibly by disrupting formation of disulfide bonds essential for the structure of the immunoglobulin-like domains (PMID: 17154279). A different missense variant at the same amino acid position (p.Ser332Phe) was detected in an individual with hypospadias (PMID: 35561789). The p.Ser332Phe variant was reported to be maternally inherited; no phenotype information was provided for the mother.